The following is an entry in ClinVar:

NM_001165963.4(SCN1A):c.1786A>G (p.Ser596Gly)

Gene: SCN1A (sodium voltage-gated channel alpha subunit 1; minus strand). Cytogenetic location: 2q24.3.
Variant type: single nucleotide variant.
Coding change: c.1786A>G on transcript NM_001165963.4 (MANE Select); coding-DNA position 1786, A replaced by G.
Protein change: p.Ser596Gly; replaces serine 596 with glycine.
Molecular consequence: missense variant. On other transcripts: 5 prime UTR variant (1), non-coding transcript variant (1).
Genome position (GRCh38, 1-based): chr2:166,043,926, T>C on the plus strand (A>G on the coding strand, the complement: SCN1A is on the minus strand). VCF-style: chr2-166043926-T-C. GRCh37 (hg19) VCF-style: chr2-166900436-T-C.
Other names: c.1786A>G, p.Ser596Gly (NM_001165964.3, NM_001202435.3, NM_001353948.2 and 7 more transcripts); c.1783A>G, p.Ser595Gly (NM_001353954.2, NM_001353955.2, NM_001353960.2); c.-640A>G (NM_001353961.2); c.1786A>G (NM_001165963.1); short protein forms S595G, S596G.
Identifiers: ClinVar variation 1409069 (VCV001409069.8), dbSNP rs1697479557, ClinGen allele CA349067688.
Genomic context (GRCh38, chr2:166,043,926, plus strand): 5'-CTCCGTGTCGTCGGGGCACAAACAAGGAATCTCTACGGCTCTCGTTATCCTCAAAGGTGC[T>C]GTGCTCATCATCTGCGAAGTCGTTCTCAGATCCCACATCCTTTGCTCGCCCTCTAAAGCT-3'
Protein context (NP_001159435.1, residues 586-606): SENDFADDEH[Ser596Gly]TFEDNESRRD

ClinVar aggregate classification (germline): Conflicting classifications of pathogenicity. Review status: criteria provided, conflicting classifications (1 of 4 stars). 2 submissions from 2 submitters: Likely pathogenic (1); Uncertain significance (1). Last evaluated 2023-08-18.

Conditions:
Early-infantile DEE. Also called: Early infantile epileptic encephalopathy; Early infantile epileptic encephalopathy with suppression bursts; Ohtahara syndrome. Identifiers: Orphanet 1934, MedGen C0393706, MONDO:0800491.

Submissions (2):

Labcorp Genetics (formerly Invitae), Labcorp
Classification: Likely pathogenic for Early-infantile DEE. Last evaluated: 2023-08-18. Review status: criteria provided, single submitter. Criteria: Invitae Variant Classification Sherloc (09022015). Collection method: clinical testing. Allele origin: germline.
Comment: In summary, the currently available evidence indicates that the variant is pathogenic, but additional data are needed to prove that conclusively. Therefore, this variant has been classified as Likely Pathogenic. Advanced modeling of protein sequence and biophysical properties (such as structural, functional, and spatial information, amino acid conservation, physicochemical variation, residue mobility, and thermodynamic stability) performed at Invitae indicates that this missense variant is expected to disrupt SCN1A protein function. ClinVar contains an entry for this variant (Variation ID: 1409069). This missense change has been observed in individuals with clinical features of developmental and epileptic encephalopathy (Invitae). This variant is not present in population databases (gnomAD no frequency). This sequence change replaces serine, which is neutral and polar, with glycine, which is neutral and non-polar, at codon 596 of the SCN1A protein (p.Ser596Gly).

GeneDx
Classification: Uncertain significance. Last evaluated: 2023-08-16. Review status: criteria provided, single submitter. Criteria: GeneDx Variant Classification Process June 2021. Collection method: clinical testing. Allele origin: germline. Affected: yes.
Comment: Not observed at significant frequency in large population cohorts (gnomAD); Missense variants in this gene are often considered pathogenic (HGMD); In silico analysis supports that this missense variant has a deleterious effect on protein structure/function; Has not been previously published as pathogenic or benign to our knowledge; the cytoplasmic loop between the first and second homologous domains